The following is an entry in ClinVar:

ClinVar aggregate classification (germline): Uncertain significance. Review status: criteria provided, multiple submitters, no conflicts (2 of 4 stars). 2 submissions from 2 submitters: Uncertain significance (2). Last evaluated 2023-10-23.

Conditions:
Cataract 6 multiple types. Also called: CATARACT, AGE-RELATED CORTICAL, 2; CATARACT 6, POSTERIOR POLAR; CATARACT 6, CONGENITAL TOTAL. Identifiers: Orphanet 91492, MedGen C1861825, MONDO:0007288, OMIM 116600.

gnomAD v4.1: 72 of 1,613,944 alleles (0.0045%); highest among the groups gnomAD compares: Non-Finnish European, 0.0057%; no homozygotes.

Submissions (2):

Blueprint Genetics
Classification: Uncertain significance. Last evaluated: 2023-10-23. Review status: criteria provided, single submitter. Criteria: ACMG Guidelines, 2015. Collection method: clinical testing. Allele origin: germline.

Labcorp Genetics (formerly Invitae), Labcorp
Classification: Uncertain significance for Cataract 6 multiple types. Last evaluated: 2021-08-31. Review status: criteria provided, single submitter. Criteria: Invitae Variant Classification Sherloc (09022015). Collection method: clinical testing. Allele origin: germline.
Comment: This sequence change replaces arginine with tryptophan at codon 792 of the EPHA2 protein (p.Arg792Trp). The arginine residue is highly conserved and there is a moderate physicochemical difference between arginine and tryptophan. This variant is present in population databases (rs55869078, ExAC 0.02%). This variant has not been reported in the literature in individuals affected with EPHA2-related conditions. Advanced modeling of protein sequence and biophysical properties (such as structural, functional, and spatial information, amino acid conservation, physicochemical variation, residue mobility, and thermodynamic stability) performed at Invitae indicates that this missense variant is not expected to disrupt EPHA2 protein function. In summary, the available evidence is currently insufficient to determine the role of this variant in disease. Therefore, it has been classified as a Variant of Uncertain Significance.

NM_004431.5(EPHA2):c.2374C>T (p.Arg792Trp)

Gene: EPHA2 (EPH receptor A2; minus strand). Cytogenetic location: 1p36.13.
Variant type: single nucleotide variant.
Coding change: c.2374C>T on transcript NM_004431.5 (MANE Select); coding-DNA position 2374, C replaced by T.
Protein change: p.Arg792Trp; replaces arginine 792 with tryptophan.
Molecular consequence: missense variant.
Genome position (GRCh38, 1-based): chr1:16,131,822, G>A on the plus strand (C>T on the coding strand, the complement: EPHA2 is on the minus strand). VCF-style: chr1-16131822-G-A. GRCh37 (hg19) VCF-style: chr1-16458317-G-A.
Other names: c.2212C>T, p.Arg738Trp (NM_001329090.2); short protein forms R738W, R792W.
Identifiers: ClinVar variation 1477390 (VCV001477390.7), dbSNP rs55869078, ClinGen allele CA624841.